The following is an entry in ClinVar:

ClinVar aggregate classification (germline): Uncertain significance (1 of 4 stars; one submission).

Conditions:
Hereditary cancer-predisposing syndrome. Also called: Tumor predisposition; Hereditary neoplastic syndrome; Hereditary Cancer Syndrome; Neoplastic Syndromes, Hereditary. Identifiers: Orphanet 140162, MedGen C0027672, MeSH D009386, MONDO:0015356.

Submission:

Ambry Genetics
Classification: Uncertain significance for Hereditary cancer-predisposing syndrome. Last evaluated: 2024-01-05. Review status: criteria provided, single submitter. Criteria: Ambry Variant Classification Scheme 2023. Collection method: clinical testing. Allele origin: germline.
Comment: The c.3743+5G>C intronic variant results from a G to C substitution 5 nucleotides after coding exon 24 in the ALK gene. This nucleotide position is well conserved in available vertebrate species. In silico splice site analysis predicts that this alteration will weaken the native splice donor site. Since supporting evidence is limited at this time, the clinical significance of this alteration remains unclear.

NM_004304.5(ALK):c.3743+5G>C

Gene: ALK (ALK receptor tyrosine kinase; minus strand). Cytogenetic location: 2p23.2.
Variant type: single nucleotide variant.
Coding change: c.3743+5G>C on transcript NM_004304.5 (MANE Select); 5 bases into the intron after coding-DNA position 3743, G replaced by C.
Molecular consequence: intron variant.
Genome position (GRCh38, 1-based): chr2:29,213,979, C>G on the plus strand (G>C on the coding strand, the complement: ALK is on the minus strand). VCF-style: chr2-29213979-C-G. GRCh37 (hg19) VCF-style: chr2-29436845-C-G.
Other names: c.539+5G>C (NM_001353765.2).
Identifiers: ClinVar variation 3223875 (VCV003223875.1), dbSNP rs2148159232, ClinGen allele CA2698996136.